The following is an entry in ClinVar:

ClinVar aggregate classification (germline): Uncertain significance (0 of 4 stars; one submission).

Allele frequency attached by ClinVar (database versions not stated): ESP Exome Variant Server 0.00015; gnomAD 0.00022; ExAC 0.00024; TOPMed 0.00024; gnomAD exomes 0.00026 and 0.00035.
gnomAD v4.1: 571 of 1,614,100 alleles (0.035%); highest among the groups gnomAD compares: Non-Finnish European, 0.041%; no homozygotes.

Submissions (3):

Department of Pathology and Laboratory Medicine, Sinai Health System
Classification: Uncertain significance. Review status: no assertion criteria provided. Collection method: clinical testing. Allele origin: unknown. Affected: yes. Study: The Canadian Open Genetics Repository (COGR).
Comment: The KRT8 c.1202+1G>A variant was not identified in the literature nor was it identified in ClinVar. The variant was identified in dbSNP (ID: rs199648626) and LOVD 3.0 (variant effect not shared). The variant was identified in control databases in 76 of 282834 chromosomes (1 homozygous) at a frequency of 0.0002687 (Genome Aggregation Database March 6, 2019, v2.1.1). The variant was observed in the following populations: Ashkenazi Jewish in 12 of 10368 chromosomes (freq: 0.001157), European (non-Finnish) in 59 of 129150 chromosomes (freq: 0.000457), Other in 1 of 7228 chromosomes (freq: 0.000138), African in 2 of 24960 chromosomes (freq: 0.00008), South Asian in 1 of 30616 chromosomes (freq: 0.000033) and Latino in 1 of 35436 chromosomes (freq: 0.000028), but was not observed in the East Asian or European (Finnish) populations. The c.1202+1G>A variant is predicted to cause abnormal splicing because the nucleotide substitution occurs in the invariant region of the splice consensus sequence. In addition, 3 of 4 in silico or computational prediction software programs (SpliceSiteFinder, MaxEntScan, NNSPLICE, GeneSplicer) predict a greater than 10% difference in splicing. In summary, based on the above information the clinical significance of this variant cannot be determined with certainty at this time. This variant is classified as a variant of uncertain significance.

Dr. Peter K. Rogan Lab, Western University
No classification provided (evidence only). Condition: Familial cancer of breast. Review status: no classification provided. Collection method: in vitro. Allele origin: not applicable. Functional consequence: retained intron. Not counted in ClinVar's aggregate classification.

Dr. Peter K. Rogan Lab, Western University
No classification provided (evidence only). Condition: Colon adenocarcinoma. Review status: no classification provided. Collection method: in vitro. Allele origin: not applicable. Functional consequence: retained intron. Not counted in ClinVar's aggregate classification.

NM_002273.4(KRT8):c.1202+1G>A

Gene: KRT8 (keratin 8; minus strand). Cytogenetic location: 12q13.13.
Variant type: single nucleotide variant.
Coding change: c.1202+1G>A on transcript NM_002273.4 (MANE Select); the canonical splice donor site of the intron after coding-DNA position 1202, G replaced by A.
Molecular consequence: splice donor variant.
Genome position (GRCh38, 1-based): chr12:52,898,678, C>T on the plus strand (G>A on the coding strand, the complement: KRT8 is on the minus strand). VCF-style: chr12-52898678-C-T. GRCh37 (hg19) VCF-style: chr12-53292462-C-T.
Other names: NC_000012.11:g.53292462C>T; c.1202+1G>A (NM_001256293.2); c.1286+1G>A (NM_001256282.2).
Identifiers: ClinVar variation 1032045 (VCV001032045.3), dbSNP rs199648626, ClinGen allele CA6590332.